The following is an entry in ClinVar:

ClinVar aggregate classification (germline): Uncertain significance (1 of 4 stars; one submission).

Conditions:
Proteosome-associated autoinflammatory syndrome. Also called: Proteasome-associated autoinflammatory syndrome. Identifiers: Orphanet 324977, MedGen C1850568, MONDO:0009726.

Allele frequency attached by ClinVar (database versions not stated): ExAC 0.00001; gnomAD 0.00001; gnomAD exomes 0.00001; TOPMed 0.00002.

Submission:

Labcorp Genetics (formerly Invitae), Labcorp
Classification: Uncertain significance for Proteosome-associated autoinflammatory syndrome. Last evaluated: 2023-06-08. Review status: criteria provided, single submitter. Criteria: Invitae Variant Classification Sherloc (09022015). Collection method: clinical testing. Allele origin: germline.
Comment: In summary, the available evidence is currently insufficient to determine the role of this variant in disease. Therefore, it has been classified as a Variant of Uncertain Significance. Advanced modeling of protein sequence and biophysical properties (such as structural, functional, and spatial information, amino acid conservation, physicochemical variation, residue mobility, and thermodynamic stability) performed at Invitae indicates that this missense variant is not expected to disrupt PSMB8 protein function. ClinVar contains an entry for this variant (Variation ID: 1047832). This variant has not been reported in the literature in individuals affected with PSMB8-related conditions. This variant is present in population databases (rs754243092, gnomAD 0.01%). This sequence change replaces methionine, which is neutral and non-polar, with isoleucine, which is neutral and non-polar, at codon 117 of the PSMB8 protein (p.Met117Ile).

NM_148919.4(PSMB8):c.351G>A (p.Met117Ile)

Gene: PSMB8 (proteasome 20S subunit beta 8; minus strand). Cytogenetic location: 6p21.32.
Variant type: single nucleotide variant.
Coding change: c.351G>A on transcript NM_148919.4 (MANE Select); coding-DNA position 351, G replaced by A.
Protein change: p.Met117Ile; replaces methionine 117 with isoleucine.
Molecular consequence: missense variant.
Genome position (GRCh38, 1-based): chr6:32,842,728, C>T on the plus strand (G>A on the coding strand, the complement: PSMB8 is on the minus strand). VCF-style: chr6-32842728-C-T. GRCh37 (hg19) VCF-style: chr6-32810505-C-T.
Other names: c.339G>A, p.Met113Ile (NM_004159.5); short protein forms M113I, M117I.
Identifiers: ClinVar variation 1047832 (VCV001047832.9), dbSNP rs754243092, ClinGen allele CA3746407.